The following is an entry in ClinVar:

NM_005529.7(HSPG2):c.2546G>A (p.Arg849His)

Gene: HSPG2 (heparan sulfate proteoglycan 2; minus strand). Cytogenetic location: 1p36.12.
Variant type: single nucleotide variant.
Coding change: c.2546G>A on transcript NM_005529.7 (MANE Select); coding-DNA position 2546, G replaced by A.
Protein change: p.Arg849His; replaces arginine 849 with histidine.
Molecular consequence: missense variant.
Genome position (GRCh38, 1-based): chr1:21,878,589, C>T on the plus strand (G>A on the coding strand, the complement: HSPG2 is on the minus strand). VCF-style: chr1-21878589-C-T. GRCh37 (hg19) VCF-style: chr1-22205082-C-T.
Other names: c.2549G>A, p.Arg850His (NM_001291860.2); short protein forms R849H, R850H.
Identifiers: ClinVar variation 3600947 (VCV003600947.1).

ClinVar aggregate classification (germline): Uncertain significance (1 of 4 stars; one submission).

gnomAD v4.1: 45 of 1,614,032 alleles (0.0028%); highest among the groups gnomAD compares: South Asian, 0.0055%; no homozygotes.

Submission:

GeneDx
Classification: Uncertain significance. Last evaluated: 2024-07-24. Review status: criteria provided, single submitter. Criteria: GeneDx Variant Classification Process June 2021. Collection method: clinical testing. Allele origin: germline. Affected: yes.
Comment: In silico analysis supports that this missense variant has a deleterious effect on protein structure/function; Has not been previously published as pathogenic or benign to our knowledge